The following is an entry in ClinVar:

ClinVar aggregate classification (germline): Benign. Review status: criteria provided, multiple submitters, no conflicts (2 of 4 stars). 3 submissions from 3 submitters: Benign (3). Last evaluated 2024-10-01.

Allele frequency attached by ClinVar (database versions not stated): 1000 Genomes Project 0.00359; 1000 Genomes Project 30x 0.00359; gnomAD 0.00518 and 0.00540; TOPMed 0.00542; ESP Exome Variant Server 0.00561; ExAC 0.00583.
gnomAD v4.1: 12,820 of 1,614,220 alleles (0.79%); highest among the groups gnomAD compares: South Asian, 1.2%; 88 homozygotes.

Submissions (3):

CeGaT Center for Human Genetics Tuebingen
Classification: Benign. Last evaluated: 2024-10-01. Review status: criteria provided, single submitter. Criteria: CeGaT Center For Human Genetics Tuebingen Variant Classification Criteria Version 2. Collection method: clinical testing. Allele origin: germline. Affected: yes. Observed: 2 variant alleles.
Comment: SEMA5A: BP4, BP7, BS1, BS2

Labcorp Genetics (formerly Invitae), Labcorp
Classification: Benign. Last evaluated: 2019-12-31. Review status: criteria provided, single submitter. Criteria: Invitae Variant Classification Sherloc (09022015). Collection method: clinical testing. Allele origin: germline.

Breakthrough Genomics
Classification: Benign. Review status: criteria provided, single submitter. Criteria: ACMG Guidelines, 2015. Collection method: not provided. Allele origin: germline. Inheritance: Unknown mechanism. Affected: yes.

NM_003966.3(SEMA5A):c.2376G>A (p.Ser792=)

Gene: SEMA5A (semaphorin 5A; minus strand). Cytogenetic location: 5p15.31.
Variant type: single nucleotide variant.
Coding change: c.2376G>A on transcript NM_003966.3 (MANE Select); coding-DNA position 2376, G replaced by A.
Protein change: p.Ser792=; no amino-acid change (serine 792 retained).
Molecular consequence: synonymous variant.
Genome position (GRCh38, 1-based): chr5:9,063,029, C>T on the plus strand (G>A on the coding strand, the complement: SEMA5A is on the minus strand). VCF-style: chr5-9063029-C-T. GRCh37 (hg19) VCF-style: chr5-9063141-C-T.
Identifiers: ClinVar variation 782096 (VCV000782096.28), dbSNP rs77204181, ClinGen allele CA3196455.